The following is an entry in ClinVar:

NM_025191.4(EDEM3):c.1998del (p.Pro667fs)

Gene: EDEM3 (ER degradation enhancing alpha-mannosidase like protein 3; minus strand). Cytogenetic location: 1q25.3.
Variant type: Deletion.
Coding change: c.1998del on transcript NM_025191.4 (MANE Select); coding-DNA position 1998, one base deleted (A; older notation c.1998delA).
Protein change: p.Pro667fs; shifts the reading frame from proline 667.
Molecular consequence: frameshift variant. On other transcripts: non-coding transcript variant (1).
Genome position (GRCh38, 1-based): chr1:184,708,192, T deleted on the plus strand (A on the coding strand, the reverse complement: EDEM3 is on the minus strand). VCF-style (leftmost placement, unchanged base first): chr1-184708191-GT-G. GRCh37 (hg19) VCF-style: chr1-184677325-GT-G.
Other names: c.1998del, p.Pro667fs (NM_001319960.2); short protein forms P667fs.
Identifiers: ClinVar variation 4845475 (VCV004845475.1).

ClinVar aggregate classification (germline): Pathogenic (1 of 4 stars; one submission).

Conditions:
Congenital disorder of glycosylation, type 2v. Identifiers: Orphanet 695783, MedGen C5561971, MONDO:0030423, OMIM 619493.

Submission:

Greenwood Genetic Center Diagnostic Laboratories, Greenwood Genetic Center
Classification: Pathogenic for Congenital disorder of glycosylation, type 2v. Last evaluated: 2025-10-06. Review status: criteria provided, single submitter. Criteria: ACMG Guidelines, 2015. Collection method: clinical testing. Allele origin: germline. Affected: yes.
Comment: PVS1, PM2, PM3_Supporting